The following is an entry in ClinVar:

NM_007194.4(CHEK2):c.1562G>C (p.Arg521Pro)

Gene: CHEK2 (checkpoint kinase 2; minus strand). Cytogenetic location: 22q12.1.
Variant type: single nucleotide variant.
Coding change: c.1562G>C on transcript NM_007194.4 (MANE Select); coding-DNA position 1562, G replaced by C.
Protein change: p.Arg521Pro; replaces arginine 521 with proline.
Molecular consequence: missense variant.
Genome position (GRCh38, 1-based): chr22:28,687,967, C>G on the plus strand (G>C on the coding strand, the complement: CHEK2 is on the minus strand). VCF-style: chr22-28687967-C-G. GRCh37 (hg19) VCF-style: chr22-29083955-C-G.
Other names: c.1691G>C, p.Arg564Pro (NM_001005735.3); c.899G>C, p.Arg300Pro (NM_001257387.3); c.1361G>C, p.Arg454Pro (NM_001349956.3); c.1475G>C, p.Arg492Pro (NM_145862.3); short protein forms R300P, R454P, R492P, R521P, R564P.
Identifiers: ClinVar variation 2502814 (VCV002502814.2), dbSNP rs373959274, ClinGen allele CA411091381.

ClinVar aggregate classification (germline): Uncertain significance. Review status: criteria provided, multiple submitters, no conflicts (2 of 4 stars). 2 submissions from 2 submitters: Uncertain significance (2). Last evaluated 2024-04-18.

Conditions:
Hereditary cancer-predisposing syndrome. Also called: Hereditary Cancer Syndrome; Hereditary neoplastic syndrome; Neoplastic Syndromes, Hereditary; Tumor predisposition. Identifiers: Orphanet 140162, MedGen C0027672, MeSH D009386, MONDO:0015356.

Submissions (2):

Ambry Genetics
Classification: Uncertain significance for Hereditary cancer-predisposing syndrome. Last evaluated: 2024-04-18. Review status: criteria provided, single submitter. Criteria: Ambry Variant Classification Scheme 2023. Collection method: clinical testing. Allele origin: germline.
Comment: The p.R521P variant (also known as c.1562G>C), located in coding exon 14 of the CHEK2 gene, results from a G to C substitution at nucleotide position 1562. The arginine at codon 521 is replaced by proline, an amino acid with dissimilar properties. This amino acid position is conserved. In addition, the in silico prediction for this alteration is inconclusive. Based on the available evidence, the clinical significance of this variant remains unclear.

GeneDx
Classification: Uncertain significance. Last evaluated: 2023-05-18. Review status: criteria provided, single submitter. Criteria: GeneDx Variant Classification Process June 2021. Collection method: clinical testing. Allele origin: germline. Affected: yes.
Comment: Not observed at significant frequency in large population cohorts (gnomAD); In silico analysis supports that this missense variant has a deleterious effect on protein structure/function; Has not been previously published as pathogenic or benign to our knowledge; Also known as c.1691G>C/p.(R564P); This variant is associated with the following publications: (PMID: 22419737)